The following is an entry in ClinVar:

ClinVar aggregate classification (germline): Conflicting classifications of pathogenicity. Review status: criteria provided, conflicting classifications (1 of 4 stars). 6 submissions from 6 submitters: Uncertain significance (3); Likely benign (3). Last evaluated 2026-04-21.

Conditions:
TTN-related disorder. Also called: TTN-related disorders; TTN-related condition; TTN-related disease.
Cardiovascular phenotype. Identifiers: MedGen CN230736.

Allele frequency attached by ClinVar (database versions not stated): gnomAD exomes 0.00004 and 0.00005; ExAC 0.00006; ESP Exome Variant Server 0.00008; gnomAD 0.00013; TOPMed 0.00016.
gnomAD v4.1: 76 of 1,613,312 alleles (0.0047%); highest among the groups gnomAD compares: African/African-American, 0.036%; no homozygotes.

Submissions (6):

PreventionGenetics, part of Exact Sciences
Classification: Uncertain significance for TTN-related condition. Last evaluated: 2026-04-21. Review status: criteria provided, single submitter. Criteria: ACMG Guidelines, 2015. Collection method: clinical testing. Allele origin: germline.
Comment: The TTN c.91426G>A variant is predicted to result in the amino acid substitution p.Val30476Ile. To our knowledge, this variant has not been reported in the literature. This variant is reported in 0.054% of alleles in individuals of African descent in gnomAD. Although we suspect that this variant may be benign, at this time, the clinical significance of this variant is uncertain due to the absence of conclusive functional and genetic evidence.

Women's Health and Genetics/Laboratory Corporation of America, LabCorp
Classification: Uncertain significance. Last evaluated: 2026-03-24. Review status: criteria provided, single submitter. Criteria: LabCorp Variant Classification Summary - May 2015. Collection method: clinical testing. Allele origin: germline.
Comment: Variant summary: TTN c.83722G>A (p.Val27908Ile) results in a conservative amino acid change in the encoded protein sequence. Algorithms developed to predict the effect of missense changes on protein structure and function are either unavailable or do not agree on the potential impact of this missense change. The variant allele was found at a frequency of 4.8e-05 in 248086 control chromosomes. This frequency is not significantly higher than estimated for disease-causing variants in TTN, allowing no conclusion about variant significance. To our knowledge, no occurrence of c.83722G>A in individuals affected with TTN-related conditions and no experimental evidence demonstrating its impact on protein function have been reported. ClinVar contains an entry for this variant (Variation ID: 678683). Based on the evidence outlined above, the variant was classified as uncertain significance.

Blueprint Genetics
Classification: Likely benign. Last evaluated: 2022-07-21. Review status: criteria provided, single submitter. Criteria: ACMG Guidelines, 2015. Collection method: clinical testing. Allele origin: germline.

Revvity Omics, Revvity
Classification: Uncertain significance. Last evaluated: 2020-12-15. Review status: criteria provided, single submitter. Criteria: ACMG Guidelines, 2015. Collection method: clinical testing. Allele origin: germline.

Ambry Genetics
Classification: Likely benign for Cardiovascular phenotype. Last evaluated: 2019-05-29. Review status: criteria provided, single submitter. Criteria: Ambry Variant Classification Scheme 2023. Collection method: clinical testing. Allele origin: germline.

GeneDx
Classification: Likely benign. Last evaluated: 2018-04-24. Review status: criteria provided, single submitter. Criteria: GeneDx Variant Classification (06012015). Collection method: clinical testing. Allele origin: germline. Affected: yes.
Comment: This variant is considered likely benign or benign based on one or more of the following criteria: it is a conservative change, it occurs at a poorly conserved position in the protein, it is predicted to be benign by multiple in silico algorithms, and/or has population frequency not consistent with disease.

NM_001267550.2(TTN):c.91426G>A (p.Val30476Ile)

Genes: TTN (titin; minus strand), TTN-AS1 (TTN antisense RNA 1; plus strand). Cytogenetic location: 2q31.2.
Variant type: single nucleotide variant.
Coding change: c.91426G>A on transcript NM_001267550.2 (MANE Select); coding-DNA position 91426, G replaced by A.
Protein change: p.Val30476Ile; replaces valine 30476 with isoleucine.
Molecular consequence: missense variant.
Genome position (GRCh38, 1-based): chr2:178,551,105, C>T on the plus strand (G>A on the coding strand, the complement: TTN is on the minus strand). VCF-style: chr2-178551105-C-T. GRCh37 (hg19) VCF-style: chr2-179415832-C-T.
Other names: c.86503G>A, p.Val28835Ile (NM_001256850.1); c.64231G>A, p.Val21411Ile (NM_003319.4); c.83722G>A, p.Val27908Ile (NM_133378.4); c.64606G>A, p.Val21536Ile (NM_133432.3); c.64807G>A, p.Val21603Ile (NM_133437.4); short protein forms V21536I, V27908I, V30476I, V21603I, V21411I, V28835I.
Identifiers: ClinVar variation 678683 (VCV000678683.9), dbSNP rs377531244, ClinGen allele CA1987633.
Genomic context (GRCh38, chr2:178,551,105, plus strand): 5'-TTCTGAACTCATAGCGATCCCCAGGACTGAGTCCTGTAACTGTGTACTGACATTCACTGA[C>T]GTCAGTAAAGTTGCATCTCACCCAGCGTTCATTTCCTTGCCGTTTCTCAATGCTATAGCC-3'
Protein context (NP_001254479.2, residues 30466-30486): ERWVRCNFTD[Val30476Ile]SECQYTVTGL